The following is an entry in ClinVar:

NM_020693.4(DSCAML1):c.4475A>G (p.Asn1492Ser)

Gene: DSCAML1 (DS cell adhesion molecule like 1; minus strand). Cytogenetic location: 11q23.3.
Variant type: single nucleotide variant.
Coding change: c.4475A>G on transcript NM_020693.4 (MANE Select); coding-DNA position 4475, A replaced by G.
Protein change: p.Asn1492Ser; replaces asparagine 1492 with serine.
Molecular consequence: missense variant.
Genome position (GRCh38, 1-based): chr11:117,437,367, T>C on the plus strand (A>G on the coding strand, the complement: DSCAML1 is on the minus strand). VCF-style: chr11-117437367-T-C. GRCh37 (hg19) VCF-style: chr11-117308083-T-C.
Other names: short protein forms N1492S.
Identifiers: ClinVar variation 1450179 (VCV001450179.6), dbSNP rs770444049, ClinGen allele CA382759296.

ClinVar aggregate classification (germline): Uncertain significance (1 of 4 stars; one submission).

gnomAD v4.1: 1 of 1,613,338 alleles (0.000062%); highest among the groups gnomAD compares: Admixed American, 0.0017%; no homozygotes.

Submission:

Labcorp Genetics (formerly Invitae), Labcorp
Classification: Uncertain significance. Last evaluated: 2023-11-27. Review status: criteria provided, single submitter. Criteria: Invitae Variant Classification Sherloc (09022015). Collection method: clinical testing. Allele origin: germline.
Comment: This sequence change replaces asparagine, which is neutral and polar, with serine, which is neutral and polar, at codon 1552 of the DSCAML1 protein (p.Asn1552Ser). This variant is not present in population databases (gnomAD no frequency). This variant has not been reported in the literature in individuals affected with DSCAML1-related conditions. ClinVar contains an entry for this variant (Variation ID: 1450179). An algorithm developed to predict the effect of missense changes on protein structure and function (PolyPhen-2) suggests that this variant is likely to be disruptive. In summary, the available evidence is currently insufficient to determine the role of this variant in disease. Therefore, it has been classified as a Variant of Uncertain Significance.